The following is an entry in ClinVar:

NM_001035.3(RYR2):c.12416T>C (p.Met4139Thr)

Genes: RYR2 (ryanodine receptor 2; plus strand), LOC126806068 (BRD4-independent group 4 enhancer GRCh37_chr1:237947411-237948610; plus strand). Cytogenetic location: 1q43.
Variant type: single nucleotide variant.
Coding change: c.12416T>C on transcript NM_001035.3 (MANE Select); coding-DNA position 12416, T replaced by C.
Protein change: p.Met4139Thr; replaces methionine 4139 with threonine.
Molecular consequence: missense variant.
Genome position (GRCh38, 1-based): chr1:237,784,128, T>C. VCF-style: chr1-237784128-T-C. GRCh37 (hg19) VCF-style: chr1-237947428-T-C.
Other names: short protein forms M4139T.
Identifiers: ClinVar variation 2774393 (VCV002774393.2), dbSNP rs753994246, ClinGen allele CA085180.

ClinVar aggregate classification (germline): Uncertain significance (1 of 4 stars; one submission).

Conditions:
Cardiomyopathy (CMYO). Also called: Cardiomyopathies. Identifiers: Orphanet 167848, MedGen C0878544, MONDO:0004994, HP:0001638. Inheritance: Various modes of inheritance.

Allele frequency attached by ClinVar (database versions not stated): ExAC 0.00001; gnomAD exomes 0.00001.
gnomAD v4.1: 16 of 1,613,982 alleles (0.00099%); highest among the groups gnomAD compares: Non-Finnish European, 0.0013%; no homozygotes.

Submission:

Color Diagnostics, LLC DBA Color Health
Classification: Uncertain significance for Cardiomyopathy. Last evaluated: 2024-03-07. Review status: criteria provided, single submitter. Criteria: ACMG Guidelines, 2015. Collection method: clinical testing. Allele origin: germline.
Comment: This missense variant replaces methionine with threonine at codon 4139 of the RYR2 protein. Computational prediction suggests that this variant may have deleterious impact on protein structure and function (internally defined REVEL score threshold >= 0.7, PMID: 27666373). To our knowledge, functional studies have not been reported for this variant. This variant has not been reported in individuals affected with cardiovascular disorders in the literature. This variant has been identified in 3/248796 chromosomes in the general population by the Genome Aggregation Database (gnomAD). The available evidence is insufficient to determine the role of this variant in disease conclusively. Therefore, this variant is classified as a Variant of Uncertain Significance.